The following is an entry in ClinVar:

ClinVar aggregate classification (germline): Uncertain significance (1 of 4 stars; one submission).

Conditions:
D-2-hydroxyglutaric aciduria 1 (D2HGA1). Identifiers: Orphanet 79315, MedGen C3152055, MONDO:0024554, OMIM 600721.

gnomAD v4.1: 1 of 1,605,498 alleles (0.000062%); highest among the groups gnomAD compares: Non-Finnish European, 0.000085%; no homozygotes.

Submission:

Labcorp Genetics (formerly Invitae), Labcorp
Classification: Uncertain significance for D-2-hydroxyglutaric aciduria 1. Last evaluated: 2022-08-22. Review status: criteria provided, single submitter. Criteria: Invitae Variant Classification Sherloc (09022015). Collection method: clinical testing. Allele origin: germline.
Comment: In summary, the available evidence is currently insufficient to determine the role of this variant in disease. Therefore, it has been classified as a Variant of Uncertain Significance. Algorithms developed to predict the effect of missense changes on protein structure and function (SIFT, PolyPhen-2, Align-GVGD) all suggest that this variant is likely to be disruptive. This variant has not been reported in the literature in individuals affected with D2HGDH-related conditions. This variant is not present in population databases (gnomAD no frequency). This sequence change replaces arginine, which is basic and polar, with glycine, which is neutral and non-polar, at codon 97 of the D2HGDH protein (p.Arg97Gly).

NM_152783.5(D2HGDH):c.289C>G (p.Arg97Gly)

Genes: D2HGDH (D-2-hydroxyglutarate dehydrogenase; plus strand), LOC129936033 (ATAC-STARR-seq lymphoblastoid active region 17430; plus strand). Cytogenetic location: 2q37.3.
Variant type: single nucleotide variant.
Coding change: c.289C>G on transcript NM_152783.5 (MANE Select); coding-DNA position 289, C replaced by G.
Protein change: p.Arg97Gly; replaces arginine 97 with glycine.
Molecular consequence: missense variant. On other transcripts: 5 prime UTR variant (1), non-coding transcript variant (1), intron variant (1).
Genome position (GRCh38, 1-based): chr2:241,735,513, C>G. VCF-style: chr2-241735513-C-G. GRCh37 (hg19) VCF-style: chr2-242674928-C-G.
Other names: c.-256C>G (NM_001352824.2); c.-111+818C>G (NM_001287249.2); short protein forms R97G.
Identifiers: ClinVar variation 1978683 (VCV001978683.4), dbSNP rs2549803075, ClinGen allele CA351405254.